The following is an entry in ClinVar:

NM_004333.6(BRAF):c.1140+648G>C

Gene: BRAF (B-Raf proto-oncogene, serine/threonine kinase; minus strand). Cytogenetic location: 7q34.
Variant type: single nucleotide variant.
Coding change: c.1140+648G>C on transcript NM_004333.6 (MANE Select); 648 bases into the intron after coding-DNA position 1140, G replaced by C.
Molecular consequence: intron variant.
Genome position (GRCh38, 1-based): chr7:140,793,660, C>G on the plus strand (G>C on the coding strand, the complement: BRAF is on the minus strand). VCF-style: chr7-140793660-C-G. GRCh37 (hg19) VCF-style: chr7-140493460-C-G.
Other names: c.1140+648G>C (NM_001378474.1, NM_001378471.1, NM_001378468.1 and 4 more transcripts); c.1038+648G>C (NM_001378470.1); c.876+648G>C (NM_001378475.1); c.1149+648G>C (NM_001378467.1); c.984+648G>C (NM_001378472.1, NM_001378473.1).
Identifiers: ClinVar variation 1711661 (VCV001711661.30), dbSNP rs146653274, ClinGen allele CA168100245.

ClinVar aggregate classification (germline): Benign (1 of 4 stars; one submission).

Allele frequency attached by ClinVar (database versions not stated): 1000 Genomes Project 30x 0.00515; 1000 Genomes Project 0.00559; gnomAD 0.00908.
gnomAD v4.1: 1,368 of 152,290 alleles (0.9%); highest among the groups gnomAD compares: Non-Finnish European, 1.4%; 9 homozygotes.

Submission:

CeGaT Center for Human Genetics Tuebingen
Classification: Benign. Last evaluated: 2026-09-01. Review status: criteria provided, single submitter. Criteria: CeGaT Center For Human Genetics Tuebingen Variant Classification Criteria Version 2. Collection method: clinical testing. Allele origin: germline. Affected: yes. Observed: 76 variant alleles.
Comment: BRAF: BS1, BS2